The following is an entry in ClinVar:

NM_006766.5(KAT6A):c.4372_4383del (p.Ser1458_Gln1461del)

Gene: KAT6A (lysine acetyltransferase 6A; minus strand). Cytogenetic location: 8p11.21.
Variant type: Deletion.
Coding change: c.4372_4383del on transcript NM_006766.5 (MANE Select); coding-DNA positions 4372 to 4383, 12 bases deleted (AGTTACACCCAG).
Protein change: p.Ser1458_Gln1461del.
Genome position (GRCh38, 1-based): chr8:41,933,837-41,933,848, CTGGGTGTAACT deleted on the plus strand (AGTTACACCCAG on the coding strand, the reverse complement: KAT6A is on the minus strand); deleting any 12 consecutive bases within chr8:41,933,837-41,933,851 gives the same sequence; the c. name uses the placement nearest the transcript's 3' end. VCF-style (leftmost placement, unchanged base first): chr8-41933836-CCTGGGTGTAACT-C. GRCh37 (hg19) VCF-style: chr8-41791354-CCTGGGTGTAACT-C.
Identifiers: ClinVar variation 3383768 (VCV003383768.2).

ClinVar aggregate classification (germline): Uncertain significance (1 of 4 stars; one submission).

Submission:

GeneDx
Classification: Uncertain significance. Last evaluated: 2024-12-18. Review status: criteria provided, single submitter. Criteria: GeneDx Variant Classification Process June 2021. Collection method: clinical testing. Allele origin: germline. Affected: yes.
Comment: Not observed at significant frequency in large population cohorts (gnomAD); In-frame deletion of 4 amino acid(s) in a non-repeat region; In silico analysis supports a deleterious effect on protein structure/function; Has not been previously published as pathogenic or benign to our knowledge